The following is an entry in ClinVar:

ClinVar aggregate classification (germline): Uncertain significance (1 of 4 stars; one submission).

Submission:

CeGaT Center for Human Genetics Tuebingen
Classification: Uncertain significance. Last evaluated: 2022-12-01. Review status: criteria provided, single submitter. Criteria: CeGaT Center For Human Genetics Tuebingen Variant Classification Criteria Version 2. Collection method: clinical testing. Allele origin: germline. Affected: yes. Observed: 1 variant allele.
Comment: SRCAP: PM2, BP4

NM_006662.3(SRCAP):c.5174T>C (p.Val1725Ala)

Gene: SRCAP (Snf2 related CREBBP activator protein; plus strand). Cytogenetic location: 16p11.2.
Variant type: single nucleotide variant.
Coding change: c.5174T>C on transcript NM_006662.3 (MANE Select); coding-DNA position 5174, T replaced by C.
Protein change: p.Val1725Ala; replaces valine 1725 with alanine.
Molecular consequence: missense variant.
Genome position (GRCh38, 1-based): chr16:30,724,598, T>C. VCF-style: chr16-30724598-T-C. GRCh37 (hg19) VCF-style: chr16-30735919-T-C.
Other names: short protein forms V1725A.
Identifiers: ClinVar variation 2646398 (VCV002646398.24), dbSNP rs2506681753, ClinGen allele CA395617797.